The following is an entry in ClinVar:

NM_205836.3(FBXO38):c.911A>G (p.Lys304Arg)

Gene: FBXO38 (F-box protein 38; plus strand). Cytogenetic location: 5q32.
Variant type: single nucleotide variant.
Coding change: c.911A>G on transcript NM_205836.3 (MANE Select); coding-DNA position 911, A replaced by G.
Protein change: p.Lys304Arg; replaces lysine 304 with arginine.
Molecular consequence: missense variant.
Genome position (GRCh38, 1-based): chr5:148,409,166, A>G. VCF-style: chr5-148409166-A-G. GRCh37 (hg19) VCF-style: chr5-147788729-A-G.
Other names: c.911A>G, p.Lys304Arg (NM_001271723.2, NM_030793.5); short protein forms K304R.
Identifiers: ClinVar variation 2963934 (VCV002963934.3), dbSNP rs2531735155, ClinGen allele CA361657105.

ClinVar aggregate classification (germline): Uncertain significance (1 of 4 stars; one submission).

Conditions:
Distal hereditary motor neuropathy type 2. Identifiers: Orphanet 139525, MedGen C3711384, MeSH C580044, MONDO:0015352.

Submission:

Labcorp Genetics (formerly Invitae), Labcorp
Classification: Uncertain significance for Distal hereditary motor neuropathy type 2. Last evaluated: 2023-05-06. Review status: criteria provided, single submitter. Criteria: Invitae Variant Classification Sherloc (09022015). Collection method: clinical testing. Allele origin: germline.
Comment: In summary, the available evidence is currently insufficient to determine the role of this variant in disease. Therefore, it has been classified as a Variant of Uncertain Significance. Advanced modeling of protein sequence and biophysical properties (such as structural, functional, and spatial information, amino acid conservation, physicochemical variation, residue mobility, and thermodynamic stability) performed at Invitae indicates that this missense variant is not expected to disrupt FBXO38 protein function. This variant has not been reported in the literature in individuals affected with FBXO38-related conditions. This variant is not present in population databases (gnomAD no frequency). This sequence change replaces lysine, which is basic and polar, with arginine, which is basic and polar, at codon 304 of the FBXO38 protein (p.Lys304Arg).